The following is an entry in ClinVar:

NM_000525.4(KCNJ11):c.1044G>T (p.Gln348His)

Gene: KCNJ11 (potassium inwardly rectifying channel subfamily J member 11; minus strand). Cytogenetic location: 11p15.1.
Variant type: single nucleotide variant.
Coding change: c.1044G>T on transcript NM_000525.4 (MANE Select); coding-DNA position 1044, G replaced by T.
Protein change: p.Gln348His; replaces glutamine 348 with histidine.
Molecular consequence: missense variant.
Genome position (GRCh38, 1-based): chr11:17,387,048, C>A on the plus strand (G>T on the coding strand, the complement: KCNJ11 is on the minus strand). VCF-style: chr11-17387048-C-A. GRCh37 (hg19) VCF-style: chr11-17408595-C-A.
Other names: c.783G>T, p.Gln261His (NM_001166290.2, NM_001377296.1, NM_001377297.1); short protein forms Q261H, Q348H.
Identifiers: ClinVar variation 3766480 (VCV003766480.1).

ClinVar aggregate classification (germline): Uncertain significance (1 of 4 stars; one submission).

Submission:

ARUP Laboratories, Molecular Genetics and Genomics, ARUP Laboratories
Classification: Uncertain significance. Last evaluated: 2023-12-08. Review status: criteria provided, single submitter. Criteria: ARUP Molecular Germline Variant Investigation Process 2024. Collection method: clinical testing. Allele origin: germline.
Comment: The KCNJ11 c.1044G>T; p.Gln348His variant, to our knowledge, is not reported in the medical literature or gene specific databases. This variant is also absent from the Genome Aggregation Database (v2.1.1), indicating it is not a common polymorphism. Computational analyses are uncertain whether this variant is neutral or deleterious (REVEL: 0.513). Due to limited information, the clinical significance of this variant is uncertain at this time.